The following is an entry in ClinVar:

ClinVar aggregate classification (germline): Likely benign (0 of 4 stars; one submission).

Conditions:
RPL15-related disorder. Also called: RPL15-related condition.

Submission:

PreventionGenetics, part of Exact Sciences
Classification: Likely benign for RPL15-related condition. Last evaluated: 2021-02-17. Review status: no assertion criteria provided. Collection method: clinical testing. Allele origin: germline.
Comment: This variant is classified as likely benign based on ACMG/AMP sequence variant interpretation guidelines (Richards et al. 2015 PMID: 25741868, with internal and published modifications).

NM_002948.5(RPL15):c.525A>C (p.Gly175=)

Genes: NKIRAS1 (NFKB inhibitor interacting Ras like 1; minus strand), RPL15 (ribosomal protein L15; plus strand). Cytogenetic location: 3p24.2.
Variant type: single nucleotide variant.
Coding change: c.525A>C on transcript NM_002948.5 (MANE Select); coding-DNA position 525, A replaced by C.
Protein change: p.Gly175=; no amino-acid change (glycine 175 retained).
Molecular consequence: synonymous variant. On other transcripts: intron variant (2).
Genome position (GRCh38, 1-based): chr3:23,919,411, A>C. VCF-style: chr3-23919411-A-C. GRCh37 (hg19) VCF-style: chr3-23960902-A-C.
Other names: c.525A>C, p.Gly175= (NM_001253379.2, NM_001253380.2, NM_001253382.2 and 1 more transcripts); c.-139-7961T>G (NM_001377380.1); c.360+165A>C (NM_001253384.2).
Identifiers: ClinVar variation 3030417 (VCV003030417.2), dbSNP rs2471231897, ClinGen allele CA432917235.